The following is an entry in ClinVar:

ClinVar aggregate classification (germline): Uncertain significance (1 of 4 stars; one submission).

Submission:

CeGaT Center for Human Genetics Tuebingen
Classification: Uncertain significance. Last evaluated: 2024-11-01. Review status: criteria provided, single submitter. Criteria: CeGaT Center For Human Genetics Tuebingen Variant Classification Criteria Version 2. Collection method: clinical testing. Allele origin: germline. Affected: yes. Observed: 1 variant allele.
Comment: NPHP3: PM2, PM5

NM_153240.5(NPHP3):c.1114C>G (p.Pro372Ala)

Genes: NPHP3 (nephrocystin 3; minus strand), NPHP3-ACAD11 (NPHP3-ACAD11 readthrough (NMD candidate); minus strand). Cytogenetic location: 3q22.1.
Variant type: single nucleotide variant.
Coding change: c.1114C>G on transcript NM_153240.5 (MANE Select); coding-DNA position 1114, C replaced by G.
Protein change: p.Pro372Ala; replaces proline 372 with alanine.
Molecular consequence: missense variant. On other transcripts: non-coding transcript variant (1).
Genome position (GRCh38, 1-based): chr3:132,713,130, G>C on the plus strand (C>G on the coding strand, the complement: NPHP3 is on the minus strand). VCF-style: chr3-132713130-G-C. GRCh37 (hg19) VCF-style: chr3-132431974-G-C.
Other names: short protein forms P372A.
Identifiers: ClinVar variation 3389512 (VCV003389512.14).